The following is an entry in ClinVar:

ClinVar aggregate classification (germline): Conflicting classifications of pathogenicity. Review status: criteria provided, conflicting classifications (1 of 4 stars). 5 submissions from 5 submitters: Likely pathogenic (2); Uncertain significance (3). Last evaluated 2026-01-14.

Conditions:
Myofibrillar myopathy 6. Identifiers: Orphanet 199340, MedGen C2751831, MONDO:0013061, OMIM 612954.
Dilated cardiomyopathy 1HH (CMD1HH). Identifiers: Orphanet 154, MedGen C3151293, MONDO:0013479, OMIM 613881.
Cardiovascular phenotype. Identifiers: MedGen CN230736.

Allele frequency attached by ClinVar (database versions not stated): ExAC 0.00002; gnomAD exomes 0.00002; TOPMed 0.00002.
gnomAD v4.1: 28 of 1,614,144 alleles (0.0017%); highest among the groups gnomAD compares: Admixed American, 0.0033%; no homozygotes.

Submissions (5):

Labcorp Genetics (formerly Invitae), Labcorp
Classification: Likely pathogenic for Dilated cardiomyopathy 1HH; Myofibrillar myopathy 6. Last evaluated: 2026-01-14. Review status: criteria provided, single submitter. Criteria: Invitae Variant Classification Sherloc (09022015). Collection method: clinical testing. Allele origin: germline.
Comment: This sequence change replaces glutamic acid, which is acidic and polar, with lysine, which is basic and polar, at codon 471 of the BAG3 protein (p.Glu471Lys). This variant is present in population databases (rs778496291, gnomAD 0.006%). This missense change has been observed in individuals with dilated cardiomyopathy (PMID: 30442290; internal data). It has also been observed to segregate with disease in related individuals. ClinVar contains an entry for this variant (Variation ID: 519166). Invitae Evidence Modeling of protein sequence and biophysical properties (such as structural, functional, and spatial information, amino acid conservation, physicochemical variation, residue mobility, and thermodynamic stability) indicates that this missense variant is expected to disrupt BAG3 protein function with a positive predictive value of 80%. In summary, the currently available evidence indicates that the variant is pathogenic, but additional data are needed to prove that conclusively. Therefore, this variant has been classified as Likely Pathogenic.

Ambry Genetics
Classification: Uncertain significance for Cardiovascular phenotype. Last evaluated: 2024-06-21. Review status: criteria provided, single submitter. Criteria: Ambry Variant Classification Scheme 2023. Collection method: clinical testing. Allele origin: germline.
Comment: The p.E471K variant (also known as c.1411G>A), located in coding exon 4 of the BAG3 gene, results from a G to A substitution at nucleotide position 1411. The glutamic acid at codon 471 is replaced by lysine, an amino acid with similar properties. This variant was reported in a BAG3 study cohort, and in a dilated cardiomyopathy cohort however, clinical details were limited (Dom&iacute;nguez F et al. J Am Coll Cardiol, 2018 11;72:2471-2481; Boen HM. Cardiooncology. 2024 Apr;10(1):26). This amino acid position is highly conserved in available vertebrate species. In addition, this alteration is predicted to be deleterious by in silico analysis. Based on the available evidence, the clinical significance of this variant remains unclear.

Molecular Diagnostic Laboratory for Inherited Cardiovascular Disease, Montreal Heart Institute
Classification: Likely pathogenic for Cardiovascular phenotype. Last evaluated: 2022-12-13. Review status: criteria provided, single submitter. Criteria: ACMG Guidelines, 2015. Collection method: clinical testing. Allele origin: germline. Affected: yes.

Fulgent Genetics
Classification: Uncertain significance for Myofibrillar myopathy 6; Dilated cardiomyopathy 1HH. Last evaluated: 2022-02-15. Review status: criteria provided, single submitter. Criteria: ACMG Guidelines, 2015. Collection method: clinical testing. Allele origin: unknown.

Revvity Omics, Revvity
Classification: Uncertain significance. Last evaluated: 2020-01-23. Review status: criteria provided, single submitter. Criteria: ACMG Guidelines, 2015. Collection method: clinical testing. Allele origin: germline.

Literature cited by the submitters: PubMed 30442290 (cited by Labcorp Genetics (formerly Invitae), Labcorp and Ambry Genetics); PubMed 37937352 (cited by Ambry Genetics); PubMed 38689299 (cited by Ambry Genetics).

NM_004281.4(BAG3):c.1411G>A (p.Glu471Lys)

Gene: BAG3 (BAG cochaperone 3; plus strand). Cytogenetic location: 10q26.11.
Variant type: single nucleotide variant.
Coding change: c.1411G>A on transcript NM_004281.4 (MANE Select); coding-DNA position 1411, G replaced by A.
Protein change: p.Glu471Lys; replaces glutamic acid 471 with lysine.
Molecular consequence: missense variant.
Genome position (GRCh38, 1-based): chr10:119,676,965, G>A. VCF-style: chr10-119676965-G-A. GRCh37 (hg19) VCF-style: chr10-121436477-G-A.
Other names: short protein forms E471K.
Identifiers: ClinVar variation 519166 (VCV000519166.20), dbSNP rs778496291, ClinGen allele CA5716543.